The following is an entry in ClinVar:

ClinVar aggregate classification (germline): Uncertain significance (1 of 4 stars; one submission).

Conditions:
Cardiovascular phenotype. Identifiers: MedGen CN230736.

Allele frequency attached by ClinVar (database versions not stated): gnomAD exomes below 0.00001.
gnomAD v4.1: 2 of 1,614,134 alleles (0.00012%); highest among the groups gnomAD compares: South Asian, 0.0022%; no homozygotes.

Submission:

Ambry Genetics
Classification: Uncertain significance for Cardiovascular phenotype. Last evaluated: 2026-08-27. Review status: criteria provided, single submitter. Criteria: Ambry Variant Classification Scheme 2023. Collection method: clinical testing. Allele origin: germline.
Comment: The c.2404-3T>C intronic variant results from a T to C substitution 3 nucleotides upstream from coding exon 40 in the COL1A2 gene. This nucleotide position is poorly conserved in available vertebrate species. In silico splice site analysis predicts that this alteration will not have any significant effect on splicing. Based on the available evidence, the clinical significance of this variant remains unclear.

NM_000089.4(COL1A2):c.2404-3T>C

Gene: COL1A2 (collagen type I alpha 2 chain; plus strand). Cytogenetic location: 7q21.3.
Variant type: single nucleotide variant.
Coding change: c.2404-3T>C on transcript NM_000089.4 (MANE Select); 3 bases into the intron before coding-DNA position 2404, T replaced by C.
Molecular consequence: intron variant.
Genome position (GRCh38, 1-based): chr7:94,422,954, T>C. VCF-style: chr7-94422954-T-C. GRCh37 (hg19) VCF-style: chr7-94052266-T-C.
Identifiers: ClinVar variation 1790771 (VCV001790771.3), dbSNP rs1792197790, ClinGen allele CA1726776397.